The following is an entry in ClinVar:

ClinVar aggregate classification (germline): Uncertain significance (1 of 4 stars; one submission).

Conditions:
Dyskeratosis congenita, autosomal recessive 6 (DKCB6). Identifiers: MedGen C4225356, MONDO:0014600, OMIM 616353.
Pulmonary fibrosis and/or bone marrow failure, Telomere-related, 4. Also called: PULMONARY FIBROSIS AND/OR BONE MARROW FAILURE SYNDROME, TELOMERE-RELATED, 4. Identifiers: Orphanet 2032, MedGen C4225347, MONDO:0014612, OMIM 616371.

Allele frequency attached by ClinVar (database versions not stated): gnomAD exomes below 0.00001; ExAC 0.00002.
gnomAD v4.1: 5 of 1,576,494 alleles (0.00032%); highest among the groups gnomAD compares: South Asian, 0.0011%; no homozygotes.

Submission:

Labcorp Genetics (formerly Invitae), Labcorp
Classification: Uncertain significance for Dyskeratosis congenita, autosomal recessive 6; Pulmonary fibrosis and/or bone marrow failure, Telomere-related, 4. Last evaluated: 2022-08-14. Review status: criteria provided, single submitter. Criteria: Invitae Variant Classification Sherloc (09022015). Collection method: clinical testing. Allele origin: germline.
Comment: In summary, the available evidence is currently insufficient to determine the role of this variant in disease. Therefore, it has been classified as a Variant of Uncertain Significance. Algorithms developed to predict the effect of missense changes on protein structure and function (SIFT, PolyPhen-2, Align-GVGD) all suggest that this variant is likely to be disruptive. This variant has not been reported in the literature in individuals affected with PARN-related conditions. The frequency data for this variant in the population databases is considered unreliable, as metrics indicate poor data quality at this position in the gnomAD database. This sequence change replaces leucine, which is neutral and non-polar, with serine, which is neutral and polar, at codon 230 of the PARN protein (p.Leu230Ser).

NM_002582.4(PARN):c.689T>C (p.Leu230Ser)

Gene: PARN (poly(A)-specific ribonuclease; minus strand). Cytogenetic location: 16p13.12.
Variant type: single nucleotide variant.
Coding change: c.689T>C on transcript NM_002582.4 (MANE Select); coding-DNA position 689, T replaced by C.
Protein change: p.Leu230Ser; replaces leucine 230 with serine.
Molecular consequence: missense variant.
Genome position (GRCh38, 1-based): chr16:14,606,497, A>G on the plus strand (T>C on the coding strand, the complement: PARN is on the minus strand). VCF-style: chr16-14606497-A-G. GRCh37 (hg19) VCF-style: chr16-14700354-A-G.
Other names: c.506T>C, p.Leu169Ser (NM_001134477.3); c.551T>C, p.Leu184Ser (NM_001242992.2); short protein forms L230S, L184S, L169S.
Identifiers: ClinVar variation 2177811 (VCV002177811.4), dbSNP rs779477840, ClinGen allele CA7912344.
Genomic context (GRCh38, chr16:14,606,497, plus strand): 5'-AACAATGGATGTGTTTAATGTTAGCCCTAGATAATTCTTGGGGTTACCTTTTCAGTTTCT[A>G]AAGTCTCAACATGAATGCCTTTCGGATACCTAAAGAAAAGAAAAACATAGTATCAGTAGA-3'
Protein context (NP_002573.1, residues 220-240): KYPKGIHVET[Leu230Ser]ETEKKERYIV